The following is an entry in ClinVar:

ClinVar aggregate classification (germline): Likely benign. Review status: criteria provided, multiple submitters, no conflicts (2 of 4 stars). 2 submissions from 2 submitters: Likely benign (2). Last evaluated 2025-10-21.

Conditions:
USH2A-related disorder. Also called: USH2A-related disorders; USH2A-related condition. Identifiers: MedGen CN239332.

Allele frequency attached by ClinVar (database versions not stated): gnomAD exomes below 0.00001; TOPMed below 0.00001; gnomAD 0.00001 and 0.00002.
gnomAD v4.1: 8 of 1,613,980 alleles (0.0005%); highest among the groups gnomAD compares: Non-Finnish European, 0.00059%; no homozygotes.

Submissions (2):

PreventionGenetics, part of Exact Sciences
Classification: Likely benign for USH2A-related condition. Last evaluated: 2025-10-21. Review status: criteria provided, single submitter. Criteria: ACMG Guidelines, 2015. Collection method: clinical testing. Allele origin: germline.
Comment: This variant is classified as likely benign based on ACMG/AMP sequence variant interpretation guidelines (Richards et al. 2015 PMID: 25741868, with internal and published modifications).

Labcorp Genetics (formerly Invitae), Labcorp
Classification: Likely benign. Last evaluated: 2023-10-18. Review status: criteria provided, single submitter. Criteria: Invitae Variant Classification Sherloc (09022015). Collection method: clinical testing. Allele origin: germline.

NM_206933.4(USH2A):c.7851A>G (p.Val2617=)

Gene: USH2A (usherin; minus strand). Cytogenetic location: 1q41.
Variant type: single nucleotide variant.
Coding change: c.7851A>G on transcript NM_206933.4 (MANE Select); coding-DNA position 7851, A replaced by G.
Protein change: p.Val2617=; no amino-acid change (valine 2617 retained).
Molecular consequence: synonymous variant.
Genome position (GRCh38, 1-based): chr1:215,888,798, T>C on the plus strand (A>G on the coding strand, the complement: USH2A is on the minus strand). VCF-style: chr1-215888798-T-C. GRCh37 (hg19) VCF-style: chr1-216062140-T-C.
Other names: c.7851A>G (NM_206933.2).
Identifiers: ClinVar variation 1596190 (VCV001596190.9), dbSNP rs1278356004, ClinGen allele CA423430699.
Genomic context (GRCh38, chr1:215,888,798, plus strand): 5'-TGGAGTATCAGAGAACAGCTCTGGACTTGGGATCCCTTCCGGTGCCCCTGGGAGTGTCCA[T>C]ACAGTCTGGGACTCTGGTGAAAGGGAACATCCTTTTGAAGTGCAGGCTTCTACCTGAAAC-3'
Protein context (NP_996816.3, residues 2607-2627): GCSLSPESQT[Val2617=]WTLPGAPEGI